The following is an entry in ClinVar:

ClinVar aggregate classification (germline): Likely pathogenic. Review status: criteria provided, single submitter (1 of 4 stars). 2 submissions from 2 submitters: Likely pathogenic (1). 1 of the submissions does not count toward it. Last evaluated 2021-11-01.

Conditions:
Congenital disorder of glycosylation type 1E (CDG1E). Also called: CONGENITAL DISORDER OF GLYCOSYLATION, TYPE Ie; CDG Ie. Identifiers: Orphanet 79322, MedGen C1837396, MONDO:0012123, OMIM 608799.

Allele frequency attached by ClinVar (database versions not stated): gnomAD exomes below 0.00001; TOPMed below 0.00001.
gnomAD v4.1: 4 of 1,608,892 alleles (0.00025%); highest among the groups gnomAD compares: Non-Finnish European, 0.00034%; no homozygotes.

Submissions (2):

Illumina Laboratory Services, Illumina
Classification: Likely pathogenic for Congenital disorder of glycosylation type 1E. Last evaluated: 2021-11-01. Review status: criteria provided, single submitter. Criteria: ICSLVariantClassificationCriteria RUGD 01 April 2020. Collection method: clinical testing. Allele origin: unknown.
Comment: The DPM1 c.847T>C (p.Ser283Pro) variant, also known as c.742T>C (p.Ser248Pro), is a missense variant that has been reported in at least two studies and is found in four individuals with congenital disorder of glycosylation, including in three in a homozygous state and one in a compound heterozygous state (Garcia-Silva et al. 2004; Medrano et al. 2019). This variant is not found in the Genome Aggregation Database, version 2.1.1 and version 3.1.1, and is in a region of good sequencing coverage, so the variant is presumed to be rare. Analysis of the p.Ser283Pro variant in knockdown zebrafish found that the variant partially reduced DPM1 function, which authors suggest is consistent with a milder phenotype (Ardiccioni et al. 2015). Based on the evidence, the p.Ser283Pro variant is classified as likely pathogenic for congenital disorder of glycosylation.

OMIM
Classification: Pathogenic for CONGENITAL DISORDER OF GLYCOSYLATION, TYPE Ie. Last evaluated: 2004-01-01. Review status: no assertion criteria provided. Collection method: literature only. Allele origin: germline. Not counted in ClinVar's aggregate classification.

Literature cited by the submitters: PubMed 15669674 (cited by Illumina Laboratory Services, Illumina and OMIM); PubMed 26729507 (cited by Illumina Laboratory Services, Illumina); PubMed 30653653 (cited by Illumina Laboratory Services, Illumina).

NM_003859.3(DPM1):c.742T>C (p.Ser248Pro)

Genes: ADNP-AS1 (ADNP antisense RNA 1; plus strand), DPM1 (dolichyl-phosphate mannosyltransferase subunit 1, catalytic; minus strand). Cytogenetic location: 20q13.13.
Variant type: single nucleotide variant.
Coding change: c.742T>C on transcript NM_003859.3 (MANE Select); coding-DNA position 742, T replaced by C.
Protein change: p.Ser248Pro; replaces serine 248 with proline.
Molecular consequence: missense variant. On other transcripts: non-coding transcript variant (1).
Genome position (GRCh38, 1-based): chr20:50,935,173, A>G on the plus strand (T>C on the coding strand, the complement: DPM1 is on the minus strand). VCF-style: chr20-50935173-A-G. GRCh37 (hg19) VCF-style: chr20-49551710-A-G.
Other names: c.847T>C, p.Ser283Pro (NM_001317034.1); c.823T>C, p.Ser275Pro (NM_001317035.1); c.673T>C, p.Ser225Pro (NM_001317036.1); short protein forms S248P, S225P, S283P, S275P.
Identifiers: ClinVar variation 100634 (VCV000100634.5), dbSNP rs587777114, ClinGen allele CA150575.